The following is an entry in ClinVar:

NM_002880.4(RAF1):c.167A>G (p.Asn56Ser)

Gene: RAF1 (Raf-1 proto-oncogene, serine/threonine kinase; minus strand). Cytogenetic location: 3p25.2.
Variant type: single nucleotide variant.
Coding change: c.167A>G on transcript NM_002880.4 (MANE Select); coding-DNA position 167, A replaced by G.
Protein change: p.Asn56Ser; replaces asparagine 56 with serine.
Molecular consequence: missense variant. On other transcripts: non-coding transcript variant (3).
Genome position (GRCh38, 1-based): chr3:12,618,555, T>C on the plus strand (A>G on the coding strand, the complement: RAF1 is on the minus strand). VCF-style: chr3-12618555-T-C. GRCh37 (hg19) VCF-style: chr3-12660054-T-C.
Other names: c.167A>G, p.Asn56Ser (NM_001354689.3, NM_001354690.3, NM_001354693.3); c.37A>G, p.Thr13Ala (NM_001354691.3, NM_001354692.3, NM_001354694.3 and 1 more transcripts); short protein forms N56S, T13A.
Identifiers: ClinVar variation 4767246 (VCV004767246.1).

ClinVar aggregate classification (germline): Uncertain significance (1 of 4 stars; one submission).

Conditions:
RASopathy. Also called: Noonan spectrum disorder; rasopathies. Identifiers: Orphanet 536391, MedGen C5555857, MONDO:0021060.

gnomAD v4.1: 4 of 1,614,184 alleles (0.00025%); highest among the groups gnomAD compares: African/African-American, 0.0013%; no homozygotes.

Submission:

Labcorp Genetics (formerly Invitae), Labcorp
Classification: Uncertain significance for RASopathy. Last evaluated: 2025-07-06. Review status: criteria provided, single submitter. Criteria: Invitae Variant Classification Sherloc (09022015). Collection method: clinical testing. Allele origin: germline.
Comment: This sequence change replaces asparagine, which is neutral and polar, with serine, which is neutral and polar, at codon 56 of the RAF1 protein (p.Asn56Ser). This variant is not present in population databases (gnomAD no frequency). This variant has not been reported in the literature in individuals affected with RAF1-related conditions. Invitae Evidence Modeling of protein sequence and biophysical properties (such as structural, functional, and spatial information, amino acid conservation, physicochemical variation, residue mobility, and thermodynamic stability) indicates that this missense variant is not expected to disrupt RAF1 protein function with a negative predictive value of 95%. In summary, the available evidence is currently insufficient to determine the role of this variant in disease. Therefore, it has been classified as a Variant of Uncertain Significance.